The following is an entry in ClinVar:

ClinVar aggregate classification (germline): Likely pathogenic (1 of 4 stars; one submission).

Conditions:
Cerebral arteriopathy, autosomal dominant, with subcortical infarcts and leukoencephalopathy, type 1 (CADASIL1). Also called: DEMENTIA, HEREDITARY MULTIINFARCT TYPE; CADASIL 1; CASIL; Cerebral arteriopathy with subcortical infarcts and leukoencephalopathy 1. Identifiers: Orphanet 136, MedGen C4551768, MONDO:0000914, OMIM 125310.

Submission:

MGZ Medical Genetics Center
Classification: Likely pathogenic for Cerebral arteriopathy, autosomal dominant, with subcortical infarcts and leukoencephalopathy, type 1. Last evaluated: 2022-06-29. Review status: criteria provided, single submitter. Criteria: ACMG Guidelines, 2015. Collection method: clinical testing. Allele origin: germline. Affected: yes. Observed: 1 variant allele.
Comment: ACMG criteria applied: PS4_MOD, PM1, PM4, PM2_SUP, PP2, PP4

NM_000435.3(NOTCH3):c.231_248del (p.Gln77_Cys82del)

Gene: NOTCH3 (notch receptor 3; minus strand). Cytogenetic location: 19p13.12.
Variant type: Deletion.
Coding change: c.231_248del on transcript NM_000435.3 (MANE Select); coding-DNA positions 231 to 248, 18 bases deleted (GCTGGAGGACCCCTGTCA).
Protein change: p.Gln77_Cys82del.
Molecular consequence: inframe deletion.
Genome position (GRCh38, 1-based): chr19:15,192,469-15,192,486, TGACAGGGGTCCTCCAGC deleted on the plus strand (GCTGGAGGACCCCTGTCA on the coding strand, the reverse complement: NOTCH3 is on the minus strand); deleting any 18 consecutive bases within chr19:15,192,469-15,192,491 gives the same sequence; the c. name uses the placement nearest the transcript's 3' end. VCF-style (leftmost placement, unchanged base first): chr19-15192468-GTGACAGGGGTCCTCCAGC-G. GRCh37 (hg19) VCF-style: chr19-15303279-GTGACAGGGGTCCTCCAGC-G.
Identifiers: ClinVar variation 1709613 (VCV001709613.2), dbSNP rs2512666971, ClinGen allele CA2580096690.